The following is an entry in ClinVar:

NM_006885.4(ZFHX3):c.2408C>T (p.Thr803Ile)

Gene: ZFHX3 (zinc finger homeobox 3; minus strand). Cytogenetic location: 16q22.3.
Variant type: single nucleotide variant.
Coding change: c.2408C>T on transcript NM_006885.4 (MANE Select); coding-DNA position 2408, C replaced by T.
Protein change: p.Thr803Ile; replaces threonine 803 with isoleucine.
Molecular consequence: missense variant. On other transcripts: intron variant (1).
Genome position (GRCh38, 1-based): chr16:72,957,738, G>A on the plus strand (C>T on the coding strand, the complement: ZFHX3 is on the minus strand). VCF-style: chr16-72957738-G-A. GRCh37 (hg19) VCF-style: chr16-72991637-G-A.
Other names: c.2408C>T, p.Thr803Ile (NM_001386735.1); c.-23-6773C>T (NM_001164766.2); short protein forms T803I.
Identifiers: ClinVar variation 2208014 (VCV002208014.3), dbSNP rs146778775, ClinGen allele CA8164419.

ClinVar aggregate classification (germline): Uncertain significance. Review status: criteria provided, multiple submitters, no conflicts (2 of 4 stars). 2 submissions from 2 submitters: Uncertain significance (2). Last evaluated 2026-01-27.

Allele frequency attached by ClinVar (database versions not stated): ExAC 0.00004; gnomAD exomes 0.00005; gnomAD 0.00009; TOPMed 0.00010; ESP Exome Variant Server 0.00023.
gnomAD v4.1: 87 of 1,614,050 alleles (0.0054%); highest among the groups gnomAD compares: Non-Finnish European, 0.0068%; no homozygotes.

Submissions (2):

Women's Health and Genetics/Laboratory Corporation of America, LabCorp
Classification: Uncertain significance. Last evaluated: 2026-01-27. Review status: criteria provided, single submitter. Criteria: LabCorp Variant Classification Summary - May 2015. Collection method: clinical testing. Allele origin: germline.
Comment: Variant summary: ZFHX3 c.2408C>T (p.Thr803Ile) results in a non-conservative amino acid change in the encoded protein sequence. Algorithms developed to predict the effect of missense changes on protein structure and function are either unavailable or do not agree on the potential impact of this missense change. The variant allele was found at a frequency of 3.6e-05 in 250042 control chromosomes. The available data on variant occurrences in the general population are insufficient to allow any conclusion about variant significance. To our knowledge, no occurrence of c.2408C>T in individuals affected with ZFHX3-related conditions and no experimental evidence demonstrating its impact on protein function have been reported. ClinVar contains an entry for this variant (Variation ID: 2208014). Based on the evidence outlined above, the variant was classified as uncertain significance.

Ambry Genetics
Classification: Uncertain significance. Last evaluated: 2021-08-17. Review status: criteria provided, single submitter. Criteria: Ambry Variant Classification Scheme 2023. Collection method: clinical testing. Allele origin: germline.